The following is an entry in ClinVar:

ClinVar aggregate classification (germline): Uncertain significance (1 of 4 stars; one submission).

Conditions:
Seizures, benign familial infantile, 3 (BFIS3). Also called: Familial neonatal seizures; CONVULSIONS, BENIGN FAMILIAL INFANTILE, 3. Identifiers: Orphanet 140927, Orphanet 306, MedGen C1843140, MONDO:0011904, OMIM 607745.
Developmental and epileptic encephalopathy, 11 (DEE11). Also called: Early infantile epileptic encephalopathy 11. Identifiers: Orphanet 1934, MedGen C3150987, MONDO:0013388, OMIM 613721.

Submission:

Labcorp Genetics (formerly Invitae), Labcorp
Classification: Uncertain significance for Seizures, benign familial infantile, 3; Developmental and epileptic encephalopathy, 11. Last evaluated: 2020-01-27. Review status: criteria provided, single submitter. Criteria: Invitae Variant Classification Sherloc (09022015). Collection method: clinical testing. Allele origin: germline.
Comment: This variant is not present in population databases (ExAC no frequency). This sequence change replaces threonine with asparagine at codon 369 of the SCN2A protein (p.Thr369Asn). The threonine residue is highly conserved and there is a small physicochemical difference between threonine and asparagine. This variant has not been reported in the literature in individuals with SCN2A-related conditions. Algorithms developed to predict the effect of missense changes on protein structure and function are either unavailable or do not agree on the potential impact of this missense change (SIFT: "Deleterious"; PolyPhen-2: "Probably Damaging"; Align-GVGD: "Class C0"). In summary, the available evidence is currently insufficient to determine the role of this variant in disease. Therefore, it has been classified as a Variant of Uncertain Significance.

NM_001040142.2(SCN2A):c.1106C>A (p.Thr369Asn)

Gene: SCN2A (sodium voltage-gated channel alpha subunit 2; plus strand). Cytogenetic location: 2q24.3.
Variant type: single nucleotide variant.
Coding change: c.1106C>A on transcript NM_001040142.2 (MANE Select); coding-DNA position 1106, C replaced by A.
Protein change: p.Thr369Asn; replaces threonine 369 with asparagine.
Molecular consequence: missense variant.
Genome position (GRCh38, 1-based): chr2:165,313,691, C>A. VCF-style: chr2-165313691-C-A. GRCh37 (hg19) VCF-style: chr2-166170201-C-A.
Other names: c.1106C>A, p.Thr369Asn (NM_001040143.2, NM_001371246.1, NM_001371247.1 and 1 more transcripts); short protein forms T369N.
Identifiers: ClinVar variation 955538 (VCV000955538.10), dbSNP rs1697568342, ClinGen allele CA349020750.